The following is an entry in ClinVar:

NM_001909.5(CTSD):c.130del (p.Glu44fs)

Genes: CTSD (cathepsin D; minus strand), PRADX (PRC2 and DDX5 associated lncRNA; plus strand). Cytogenetic location: 11p15.5.
Variant type: Deletion.
Coding change: c.130del on transcript NM_001909.5 (MANE Select); coding-DNA position 130, one base deleted (G; older notation c.130delG).
Protein change: p.Glu44fs; shifts the reading frame from glutamic acid 44.
Molecular consequence: frameshift variant. On other transcripts: non-coding transcript variant (1).
Genome position (GRCh38, 1-based): chr11:1,761,407, C deleted on the plus strand (G on the coding strand, the reverse complement: CTSD is on the minus strand); the first of 2 consecutive C bases (chr11:1,761,407-1,761,408); deleting either gives the same sequence. VCF-style (leftmost placement, unchanged base first): chr11-1761406-TC-T. GRCh37 (hg19) VCF-style: chr11-1782636-TC-T.
Other names: short protein forms E44fs.
Identifiers: ClinVar variation 3641401 (VCV003641401.2).
Genomic context (GRCh38, chr11:1,761,406, plus strand): 5'-TCGGTCACGGCTGGCACCGCCTGGGAGTACTTTGAGACGGGGCCTTTGGCAATCAGGTCC[TC>T]CACAGAGCCCCCAACCTCCGACATGGTCCGGCGGATGGACGTGAACTTGTGCAGCGGGAT-3'

ClinVar aggregate classification (germline): Pathogenic (1 of 4 stars; one submission).

Conditions:
Neuronal ceroid lipofuscinosis. Also called: Neuronal Ceroid Lipofuscinoses. Identifiers: Orphanet 216, Orphanet 79263, MedGen C0027877, MONDO:0016295. Disease mechanism: loss of function.

Submission:

Labcorp Genetics (formerly Invitae), Labcorp
Classification: Pathogenic for Neuronal ceroid lipofuscinosis. Last evaluated: 2025-12-15. Review status: criteria provided, single submitter. Criteria: Invitae Variant Classification Sherloc (09022015). Collection method: clinical testing. Allele origin: germline.
Comment: This sequence change creates a premature translational stop signal (p.Glu44Argfs*3) in the CTSD gene. It is expected to result in an absent or disrupted protein product. Loss-of-function variants in CTSD are known to be pathogenic (PMID: 16670177, 26059544). This variant is not present in population databases (gnomAD no frequency). This variant has not been reported in the literature in individuals affected with CTSD-related conditions. ClinVar contains an entry for this variant (Variation ID: 3641401). For these reasons, this variant has been classified as Pathogenic.

Literature cited by the submitters: PubMed 16670177; PubMed 26059544.